The following is an entry in ClinVar:

NM_000384.3(APOB):c.272T>C (p.Ile91Thr)

Gene: APOB (apolipoprotein B; minus strand). Cytogenetic location: 2p24.1.
Variant type: single nucleotide variant.
Coding change: c.272T>C on transcript NM_000384.3 (MANE Select); coding-DNA position 272, T replaced by C.
Protein change: p.Ile91Thr; replaces isoleucine 91 with threonine.
Molecular consequence: missense variant.
Genome position (GRCh38, 1-based): chr2:21,041,049, A>G on the plus strand (T>C on the coding strand, the complement: APOB is on the minus strand). VCF-style: chr2-21041049-A-G. GRCh37 (hg19) VCF-style: chr2-21263921-A-G.
Other names: short protein forms I91T.
Identifiers: ClinVar variation 4787761 (VCV004787761.1).
Genomic context (GRCh38, chr2:21,041,049, plus strand): 5'-GCTTTGCCCTCAGGGTTGAAGCCATACACCTCTTTCAGGGTGCACTGGCTGGTCTTCAGG[A>G]TGAAGCTGCAGAGCTGGGGAACCTCCAGCTCAACCTGAGAATTCAGGGTAGCAGAGCATT-3'
Protein context (NP_000375.3, residues 81-101): ELEVPQLCSF[Ile91Thr]LKTSQCTLKE

ClinVar aggregate classification (germline): Uncertain significance (1 of 4 stars; one submission).

Conditions:
Familial hypobetalipoproteinemia 1. Also called: APOB-Related Familial Hypobetalipoproteinemia; Hypobetalipoproteinemia, normotriglyceridemic; Acanthocytosis with hypobetalipoproteinemia. Identifiers: MedGen C4551990, MONDO:0014252, OMIM 615558.
Hypercholesterolemia, autosomal dominant, type B (FHCL2). Also called: APOB-Related Familial Hypercholesterolemia, Autosomal Dominant; Familial hypercholesterolemia 2; Familial Hypercholesterolemia Type B; APOLIPOPROTEIN B-100, FAMILIAL DEFECTIVE; APOLIPOPROTEIN B-100, FAMILIAL LIGAND-DEFECTIVE; HYPERCHOLESTEROLEMIA, FAMILIAL, DUE TO LIGAND-DEFECTIVE APOLIPOPROTEIN B. Identifiers: MedGen C1704417, MONDO:0007751, OMIM 144010.

gnomAD v4.1: 5 of 1,613,000 alleles (0.00031%); highest among the groups gnomAD compares: Non-Finnish European, 0.00034%; no homozygotes.

Submission:

Labcorp Genetics (formerly Invitae), Labcorp
Classification: Uncertain significance for Familial hypobetalipoproteinemia 1; Hypercholesterolemia, autosomal dominant, type B. Last evaluated: 2025-06-19. Review status: criteria provided, single submitter. Criteria: Invitae Variant Classification Sherloc (09022015). Collection method: clinical testing. Allele origin: germline.
Comment: This sequence change replaces isoleucine, which is neutral and non-polar, with threonine, which is neutral and polar, at codon 91 of the APOB protein (p.Ile91Thr). This variant is present in population databases (rs148503464, gnomAD 0.002%). This variant has not been reported in the literature in individuals affected with APOB-related conditions. Invitae Evidence Modeling of protein sequence and biophysical properties (such as structural, functional, and spatial information, amino acid conservation, physicochemical variation, residue mobility, and thermodynamic stability) indicates that this missense variant is not expected to disrupt APOB protein function with a negative predictive value of 95%. In summary, the available evidence is currently insufficient to determine the role of this variant in disease. Therefore, it has been classified as a Variant of Uncertain Significance.